The following is an entry in ClinVar:

ClinVar aggregate classification (germline): Uncertain significance. Review status: criteria provided, multiple submitters, no conflicts (2 of 4 stars). 2 submissions from 2 submitters: Uncertain significance (2). Last evaluated 2026-03-01.

Conditions:
Cardiovascular phenotype. Identifiers: MedGen CN230736.
Hereditary cancer-predisposing syndrome. Also called: Neoplastic Syndromes, Hereditary; Tumor predisposition; Hereditary Cancer Syndrome; Hereditary neoplastic syndrome. Identifiers: Orphanet 140162, MedGen C0027672, MeSH D009386, MONDO:0015356.

Submissions (2):

CeGaT Center for Human Genetics Tuebingen
Classification: Uncertain significance. Last evaluated: 2026-03-01. Review status: criteria provided, single submitter. Criteria: CeGaT Center For Human Genetics Tuebingen Variant Classification Criteria Version 2. Collection method: clinical testing. Allele origin: germline. Affected: yes. Observed: 1 variant allele.
Comment: LZTR1: PM2

Ambry Genetics
Classification: Uncertain significance for Cardiovascular phenotype; Hereditary cancer-predisposing syndrome. Last evaluated: 2025-02-06. Review status: criteria provided, single submitter. Criteria: Ambry Variant Classification Scheme 2023. Collection method: clinical testing. Allele origin: germline.
Comment: The p.C443R variant (also known as c.1327T>C), located in coding exon 12 of the LZTR1 gene, results from a T to C substitution at nucleotide position 1327. The cysteine at codon 443 is replaced by arginine, an amino acid with highly dissimilar properties. This amino acid position is conserved. In addition, this alteration is predicted to be deleterious by in silico analysis. Based on the available evidence, the clinical significance of this variant remains unclear.

NM_006767.4(LZTR1):c.1327T>C (p.Cys443Arg)

Gene: LZTR1 (leucine zipper like post translational regulator 1; plus strand). Cytogenetic location: 22q11.21.
Variant type: single nucleotide variant.
Coding change: c.1327T>C on transcript NM_006767.4 (MANE Select); coding-DNA position 1327, T replaced by C.
Protein change: p.Cys443Arg; replaces cysteine 443 with arginine.
Molecular consequence: missense variant.
Genome position (GRCh38, 1-based): chr22:20,993,728, T>C. VCF-style: chr22-20993728-T-C. GRCh37 (hg19) VCF-style: chr22-21348017-T-C.
Other names: short protein forms C443R.
Identifiers: ClinVar variation 3869238 (VCV003869238.5).